The following is an entry in ClinVar:

NM_005876.5(SPEG):c.9013C>T (p.Arg3005Trp)

Genes: ASIC4-AS1 (ASIC4 antisense RNA 1; minus strand), SPEG (striated muscle enriched protein kinase; plus strand). Cytogenetic location: 2q35.
Variant type: single nucleotide variant.
Coding change: c.9013C>T on transcript NM_005876.5 (MANE Select); coding-DNA position 9013, C replaced by T.
Protein change: p.Arg3005Trp; replaces arginine 3005 with tryptophan.
Molecular consequence: missense variant.
Genome position (GRCh38, 1-based): chr2:219,490,500, C>T. VCF-style: chr2-219490500-C-T. GRCh37 (hg19) VCF-style: chr2-220355222-C-T.
Other names: c.9013C>T (NM_005876.4); short protein forms R3005W.
Identifiers: ClinVar variation 1497187 (VCV001497187.8), dbSNP rs751153668, ClinGen allele CA2127647.
Genomic context (GRCh38, chr2:219,490,500, plus strand): 5'-GAGAATGCCACGGGGCGAACGTTCGTGGCCAAGATCGTGCCCTATGCTGCCGAGGGCAAG[C>T]GGCGGGTCCTGCAGGAGTACGAGGTGCTGCGGACCCTGCACCACGAGCGGATCATGTCCC-3'
Protein context (NP_005867.3, residues 2995-3015): KIVPYAAEGK[Arg3005Trp]RVLQEYEVLR

ClinVar aggregate classification (germline): Uncertain significance. Review status: criteria provided, multiple submitters, no conflicts (2 of 4 stars). 2 submissions from 2 submitters: Uncertain significance (2). Last evaluated 2025-06-07.

Conditions:
Inborn genetic diseases. Identifiers: MedGen C0950123, MeSH D030342.

Allele frequency attached by ClinVar (database versions not stated): gnomAD exomes 0.00003 and 0.00005; TOPMed 0.00003; ExAC 0.00003; gnomAD 0.00004.
gnomAD v4.1: 71 of 1,612,308 alleles (0.0044%); highest among the groups gnomAD compares: Non-Finnish European, 0.0057%; no homozygotes.

Submissions (2):

Ambry Genetics
Classification: Uncertain significance for Inborn genetic diseases. Last evaluated: 2025-06-07. Review status: criteria provided, single submitter. Criteria: Ambry Variant Classification Scheme 2023. Collection method: clinical testing. Allele origin: germline.

Labcorp Genetics (formerly Invitae), Labcorp
Classification: Uncertain significance. Last evaluated: 2022-07-18. Review status: criteria provided, single submitter. Criteria: Invitae Variant Classification Sherloc (09022015). Collection method: clinical testing. Allele origin: germline.
Comment: This sequence change replaces arginine, which is basic and polar, with tryptophan, which is neutral and slightly polar, at codon 3005 of the SPEG protein (p.Arg3005Trp). This variant is present in population databases (rs751153668, gnomAD 0.006%). This variant has not been reported in the literature in individuals affected with SPEG-related conditions. ClinVar contains an entry for this variant (Variation ID: 1497187). Algorithms developed to predict the effect of missense changes on protein structure and function are either unavailable or do not agree on the potential impact of this missense change (SIFT: "Deleterious"; PolyPhen-2: "Possibly Damaging"; Align-GVGD: "Class C0"). In summary, the available evidence is currently insufficient to determine the role of this variant in disease. Therefore, it has been classified as a Variant of Uncertain Significance.